The following is an entry in ClinVar:

ClinVar aggregate classification (germline): Uncertain significance (1 of 4 stars; one submission).

Conditions:
TMEM67-related disorder. Also called: TMEM67-related condition; TMEM67-related disorders. Identifiers: MedGen CN239423.

Submission:

3billion
Classification: Uncertain significance for TMEM67-related disorder. Last evaluated: 2025-09-10. Review status: criteria provided, single submitter. Criteria: ACMG Guidelines, 2015. Collection method: clinical testing. Allele origin: germline. Affected: yes.
Comment: The variant is not observed in the gnomAD v4.1.0 dataset. Predicted Consequence/Location: Missense variant In silico tool predictions suggest damaging effect of the variant on gene or gene product [REVEL: 0.89 (>=0.6, sensitivity 0.68 and specificity 0.92)]. Different missense changes at the same codon have been reported as of uncertain significance (ClinVar ID: VCV001430502). Therefore, this variant is classified as VUS according to the recommendation of ACMG/AMP guideline.

NM_153704.6(TMEM67):c.1066C>T (p.Leu356Phe)

Gene: TMEM67 (transmembrane protein 67; plus strand). Cytogenetic location: 8q22.1.
Variant type: single nucleotide variant.
Coding change: c.1066C>T on transcript NM_153704.6 (MANE Select); coding-DNA position 1066, C replaced by T.
Protein change: p.Leu356Phe; replaces leucine 356 with phenylalanine.
Molecular consequence: missense variant. On other transcripts: non-coding transcript variant (1).
Genome position (GRCh38, 1-based): chr8:93,782,395, C>T. VCF-style: chr8-93782395-C-T. GRCh37 (hg19) VCF-style: chr8-94794623-C-T.
Other names: c.823C>T, p.Leu275Phe (NM_001142301.1); short protein forms L275F, L356F.
Identifiers: ClinVar variation 4854980 (VCV004854980.1).